The following is an entry in ClinVar:

NM_006493.4(CLN5):c.-141C>T

Gene: CLN5 (CLN5 lysosomal BMP synthase; plus strand). Cytogenetic location: 13q22.3.
Variant type: single nucleotide variant.
Coding change: c.-141C>T on transcript NM_006493.4 (MANE Select); 141 bases upstream of the start codon, C replaced by T.
Genome position (GRCh38, 1-based): chr13:76,991,958, C>T. VCF-style: chr13-76991958-C-T. GRCh37 (hg19) VCF-style: chr13-77566093-C-T.
Other names: p.R3W:CGG>TGG.
Identifiers: ClinVar variation 205135 (VCV000205135.14), dbSNP rs759859373, ClinGen allele CA313891.

ClinVar aggregate classification (germline): Uncertain significance. Review status: criteria provided, multiple submitters, no conflicts (2 of 4 stars). 4 submissions from 4 submitters: Uncertain significance (3). 1 of the submissions does not count toward it. Last evaluated 2022-09-06.

Conditions:
Neuronal ceroid lipofuscinosis. Also called: Neuronal Ceroid Lipofuscinoses. Identifiers: Orphanet 216, Orphanet 79263, MedGen C0027877, MONDO:0016295. Disease mechanism: loss of function.
Neuronal ceroid lipofuscinosis 5 (CLN5). Also called: CEROID LIPOFUSCINOSIS, NEURONAL, 5, VARIABLE AGE AT ONSET; CLN5-Related Neuronal Ceroid-Lipofuscinosis; Neuronal ceroid lipofuscinosis Finnish variant; NEURONAL CEROID LIPOFUSCINOSIS, LATE INFANTILE, FINNISH VARIANT. Identifiers: Orphanet 168491, Orphanet 228360, MedGen C1850442, MONDO:0009745, OMIM 256731.

Allele frequency attached by ClinVar (database versions not stated): TOPMed 0.00001; gnomAD 0.00003.

Submissions (4):

Labcorp Genetics (formerly Invitae), Labcorp
Classification: Uncertain significance for Neuronal ceroid lipofuscinosis. Last evaluated: 2022-09-06. Review status: criteria provided, single submitter. Criteria: Invitae Variant Classification Sherloc (09022015). Collection method: clinical testing. Allele origin: germline.
Comment: This sequence change replaces arginine, which is basic and polar, with tryptophan, which is neutral and slightly polar, at codon 3 of the CLN5 protein (p.Arg3Trp). This variant is present in population databases (rs759859373, gnomAD 0.01%). This variant has not been reported in the literature in individuals affected with CLN5-related conditions. ClinVar contains an entry for this variant (Variation ID: 205135). Algorithms developed to predict the effect of missense changes on protein structure and function are either unavailable or do not agree on the potential impact of this missense change (SIFT: "Deleterious"; PolyPhen-2: "Not Available"; Align-GVGD: "Class C0"). In summary, the available evidence is currently insufficient to determine the role of this variant in disease. Therefore, it has been classified as a Variant of Uncertain Significance.

GeneDx
Classification: Uncertain significance. Last evaluated: 2022-05-18. Review status: criteria provided, single submitter. Criteria: GeneDx Variant Classification Process June 2021. Collection method: clinical testing. Allele origin: germline. Affected: yes.
Comment: Not observed at significant frequency in large population cohorts (gnomAD); In silico analysis supports that this missense variant does not alter protein structure/function; Has not been previously published as pathogenic or benign to our knowledge

Genome-Nilou Lab
Classification: Uncertain significance for Neuronal ceroid lipofuscinosis 5. Last evaluated: 2021-09-05. Review status: criteria provided, single submitter. Criteria: ACMG Guidelines, 2015. Collection method: clinical testing. Allele origin: germline. Affected: no.

Natera, Inc.
Classification: Uncertain significance for Neuronal ceroid lipofuscinosis. Last evaluated: 2020-11-19. Review status: no assertion criteria provided. Collection method: clinical testing. Allele origin: germline. Not counted in ClinVar's aggregate classification.